The following is an entry in ClinVar:

NM_000484.4(APP):c.1775C>T (p.Ala592Val)

Gene: APP (amyloid beta precursor protein; minus strand). Cytogenetic location: 21q21.3.
Variant type: single nucleotide variant.
Coding change: c.1775C>T on transcript NM_000484.4 (MANE Select); coding-DNA position 1775, C replaced by T.
Protein change: p.Ala592Val; replaces alanine 592 with valine.
Molecular consequence: missense variant.
Genome position (GRCh38, 1-based): chr21:25,911,875, G>A on the plus strand (C>T on the coding strand, the complement: APP is on the minus strand). VCF-style: chr21-25911875-G-A. GRCh37 (hg19) VCF-style: chr21-27284187-G-A.
Other names: c.1703C>T, p.Ala568Val (NM_001136016.3); c.1382C>T, p.Ala461Val (NM_001136129.3); c.1607C>T, p.Ala536Val (NM_001136130.3, NM_001385253.1); c.1445C>T, p.Ala482Val (NM_001136131.3); c.1775C>T, p.Ala592Val (NM_001204301.2); c.1718C>T, p.Ala573Val (NM_001204302.2, NM_201413.3); c.1550C>T, p.Ala517Val (NM_001204303.2, NM_201414.3); short protein forms A517V, A536V, A461V, A573V, A592V, A568V, A482V.
Identifiers: ClinVar variation 1354243 (VCV001354243.6), dbSNP rs754790092, ClinGen allele CA9987201.

ClinVar aggregate classification (germline): Uncertain significance (1 of 4 stars; one submission).

Conditions:
Alzheimer disease. Also called: Alzheimer's disease; Presenile and senile dementia. Identifiers: Orphanet 1020, MedGen C0002395, MeSH D000544, MONDO:0004975, HP:0002511.

Allele frequency attached by ClinVar (database versions not stated): gnomAD exomes 0.00002; TOPMed 0.00002; ExAC 0.00003.
gnomAD v4.1: 13 of 1,614,166 alleles (0.00081%); highest among the groups gnomAD compares: Middle Eastern, 0.016%; no homozygotes.

Submission:

Labcorp Genetics (formerly Invitae), Labcorp
Classification: Uncertain significance for Alzheimer disease. Last evaluated: 2022-09-07. Review status: criteria provided, single submitter. Criteria: Invitae Variant Classification Sherloc (09022015). Collection method: clinical testing. Allele origin: germline.
Comment: In summary, the available evidence is currently insufficient to determine the role of this variant in disease. Therefore, it has been classified as a Variant of Uncertain Significance. Algorithms developed to predict the effect of missense changes on protein structure and function (SIFT, PolyPhen-2, Align-GVGD) all suggest that this variant is likely to be disruptive. ClinVar contains an entry for this variant (Variation ID: 1354243). This variant has not been reported in the literature in individuals affected with APP-related conditions. This variant is present in population databases (rs754790092, gnomAD 0.009%). This sequence change replaces alanine, which is neutral and non-polar, with valine, which is neutral and non-polar, at codon 592 of the APP protein (p.Ala592Val).